The following is an entry in ClinVar:

ClinVar aggregate classification (germline): Conflicting classifications of pathogenicity. Review status: criteria provided, conflicting classifications (1 of 4 stars). 12 submissions from 12 submitters: Uncertain significance (2); Benign (1); Likely benign (6). 3 of the submissions do not count toward it. Last evaluated 2025-11-17.

Conditions:
BRCA2-related cancer predisposition. Identifiers: MedGen CN377758, MONDO:0700269.
Hereditary cancer-predisposing syndrome. Also called: Tumor predisposition; Neoplastic Syndromes, Hereditary; Hereditary neoplastic syndrome; Hereditary Cancer Syndrome. Identifiers: Orphanet 140162, MedGen C0027672, MeSH D009386, MONDO:0015356.
Hereditary breast ovarian cancer syndrome. Also called: Hereditary breast and ovarian cancer; Hereditary breast and ovarian cancer syndrome (HBOC); Hereditary breast and/or ovarian cancer syndrome; Breast and ovarian cancer; Hereditary breast and ovarian cancer syndrome; BRCA1- and BRCA2-Associated Hereditary Breast and Ovarian Cancer. Identifiers: Orphanet 145, MedGen C0677776, MeSH D061325, MONDO:0003582. Disease mechanism: loss of function.
Breast-ovarian cancer, familial, susceptibility to, 2 (BROVCA2). Also called: BRCA2 Hereditary Breast and Ovarian Cancer. Identifiers: Orphanet 145, MedGen C2675520, MONDO:0012933, OMIM 612555. Disease mechanism: loss of function.

Allele frequency attached by ClinVar (database versions not stated): gnomAD exomes 0.00001 and 0.00002; ExAC 0.00002.
gnomAD v4.1: 30 of 1,613,750 alleles (0.0019%); highest among the groups gnomAD compares: East Asian, 0.0022%; no homozygotes.

Submissions (12):

Myriad Genetics, Inc.
Classification: Benign for Breast-ovarian cancer, familial, susceptibility to, 2. Last evaluated: 2025-11-17. Review status: criteria provided, single submitter. Criteria: Myriad Autosomal Dominant, Autosomal Recessive and X-Linked Classification Criteria (2023). Collection method: clinical testing. Allele origin: unknown.
Comment: This variant is considered benign. This variant is strongly associated with less severe personal and family histories of cancer, typical for individuals without pathogenic variants in this gene [PMID: 25085752]. This variant has been observed in trans with a known pathogenic variant in one or more individuals lacking clinical features consistent with gene-specific recessive disease.

Labcorp Genetics (formerly Invitae), Labcorp
Classification: Likely benign for Hereditary breast ovarian cancer syndrome. Last evaluated: 2025-09-16. Review status: criteria provided, single submitter. Criteria: Invitae Variant Classification Sherloc (09022015). Collection method: clinical testing. Allele origin: germline.

Quest Diagnostics Nichols Institute San Juan Capistrano
Classification: Uncertain significance. Last evaluated: 2025-06-17. Review status: criteria provided, single submitter. Criteria: Quest Diagnostics criteria. Collection method: clinical testing. Allele origin: unknown.
Comment: The BRCA2 c.7096C>G (p.Leu2366Val) variant has been reported in the published literature in individuals with breast or ovarian cancer (PMID: 31907386 (2020)) as well as reportedly healthy individuals (PMID: 33471991 (2021), see also LOVD). The frequency of this variant in the general population (Genome Aggregation Database) is uninformative in the assessment of its pathogenicity. Analysis of this variant using bioinformatics tools for the prediction of the effect of amino acid changes on protein structure and function yielded predictions that this variant is benign. Based on the available information, we are unable to determine the clinical significance of this variant.

All of Us Research Program, National Institutes of Health
Classification: Likely benign for BRCA2-related cancer predisposition. Last evaluated: 2024-04-16. Review status: criteria provided, single submitter. Criteria: ACMG Guidelines, 2015. Collection method: clinical testing. Allele origin: germline. Inheritance: Autosomal dominant inheritance. Observed: 5 variant alleles, 5 heterozygotes.
Comment: This study involves interpretation of variants in research participants for the purpose of population health screening. Participant phenotype was not available at the time of variant classification. Additional details can be found in publication PMID: 35346344, PMCID: PMC8962531

Women's Health and Genetics/Laboratory Corporation of America, LabCorp
Classification: Likely benign. Last evaluated: 2022-05-16. Review status: criteria provided, single submitter. Criteria: LabCorp Variant Classification Summary - May 2015. Collection method: clinical testing. Allele origin: germline.
Comment: Variant summary: BRCA2 c.7096C>G (p.Leu2366Val) results in a conservative amino acid change in the encoded protein sequence. Five of five in-silico tools predict a benign effect of the variant on protein function. The variant allele was found at a frequency of 8e-06 in 250964 control chromosomes. The available data on variant occurrences in the general population are insufficient to allow any conclusion about variant significance. c.7096C>G has been reported in the literature (example, Hondow_2011). These report(s) do not provide unequivocal conclusions about association of the variant with Hereditary Breast And Ovarian Cancer Syndrome. To our knowledge, no penetrant association of this variant and no experimental evidence demonstrating an impact on protein function has been reported. Six clinical diagnostic laboratories have submitted clinical-significance assessments for this variant to ClinVar after 2014 without evidence for independent evaluation. Multiple laboratories reported the variant with a majority consensus as likely benign (n=4). Based on the evidence outlined above, the variant was classified as likely benign.

Ambry Genetics
Classification: Likely benign for Hereditary cancer-predisposing syndrome. Last evaluated: 2018-10-03. Review status: criteria provided, single submitter. Criteria: Ambry Variant Classification Scheme 2023. Collection method: clinical testing. Allele origin: germline.

GeneDx
Classification: Likely benign. Last evaluated: 2018-07-30. Review status: criteria provided, single submitter. Criteria: GeneDx Variant Classification Process June 2021. Collection method: clinical testing. Allele origin: germline. Affected: yes.
Comment: This variant is associated with the following publications: (PMID: 24817641, 21702907, 21523855)

PreventionGenetics, part of Exact Sciences
Classification: Uncertain significance. Last evaluated: 2017-10-26. Review status: criteria provided, single submitter. Criteria: ACMG Guidelines, 2015. Collection method: clinical testing. Allele origin: germline.

Color Diagnostics, LLC DBA Color Health
Classification: Likely benign for Hereditary cancer-predisposing syndrome. Last evaluated: 2017-05-31. Review status: criteria provided, single submitter. Criteria: ACMG Guidelines, 2015. Collection method: clinical testing. Allele origin: germline.

Counsyl
Classification: Uncertain significance for Breast-ovarian cancer, familial, susceptibility to, 2. Last evaluated: 2016-01-19. Review status: no assertion criteria provided. Collection method: clinical testing. Allele origin: unknown. Not counted in ClinVar's aggregate classification.

Sharing Clinical Reports Project (SCRP)
Classification: Likely benign for Breast-ovarian cancer, familial 2. Last evaluated: 2012-05-01. Review status: no assertion criteria provided. Collection method: clinical testing. Allele origin: germline. Not counted in ClinVar's aggregate classification.

Breast Cancer Information Core (BIC) (BRCA2)
Classification: Uncertain significance for Breast-ovarian cancer, familial 2. Last evaluated: 2002-05-29. Review status: no assertion criteria provided. Collection method: clinical testing. Allele origin: germline. Affected: yes. Observed: 4 variant alleles. Not counted in ClinVar's aggregate classification.

Literature cited by the submitters: PubMed 25085752 (cited by Myriad Genetics, Inc.); PubMed 24817641 (cited by Quest Diagnostics Nichols Institute San Juan Capistrano and Counsyl); PubMed 21702907 (cited by 3 submitters); PubMed 21523855 (cited by 3 submitters); PubMed 33471991 (cited by Quest Diagnostics Nichols Institute San Juan Capistrano); PubMed 31907386 (cited by Quest Diagnostics Nichols Institute San Juan Capistrano).

NM_000059.4(BRCA2):c.7096C>G (p.Leu2366Val)

Gene: BRCA2 (BRCA2 DNA repair associated; plus strand). Cytogenetic location: 13q13.1.
Variant type: single nucleotide variant.
Coding change: c.7096C>G on transcript NM_000059.4 (MANE Select); coding-DNA position 7096, C replaced by G.
Protein change: p.Leu2366Val; replaces leucine 2366 with valine.
Molecular consequence: missense variant.
Genome position (GRCh38, 1-based): chr13:32,354,949, C>G. VCF-style: chr13-32354949-C-G. GRCh37 (hg19) VCF-style: chr13-32929086-C-G.
Other names: p.L2366V:CTG>GTG; 7324C>G; short protein forms L2366V.
Identifiers: ClinVar variation 38083 (VCV000038083.26), dbSNP rs80358941, ClinGen allele CA024864.